The following is an entry in ClinVar:

ClinVar aggregate classification (germline): Uncertain significance. Review status: criteria provided, multiple submitters, no conflicts (2 of 4 stars). 2 submissions from 2 submitters: Uncertain significance (2). Last evaluated 2025-08-27.

Conditions:
Inborn genetic diseases. Identifiers: MedGen C0950123, MeSH D030342.

Allele frequency attached by ClinVar (database versions not stated): gnomAD exomes 0.00001.
gnomAD v4.1: 9 of 1,613,716 alleles (0.00056%); highest among the groups gnomAD compares: Non-Finnish European, 0.00076%; no homozygotes.

Submissions (2):

Ambry Genetics
Classification: Uncertain significance for Inborn genetic diseases. Last evaluated: 2025-08-27. Review status: criteria provided, single submitter. Criteria: Ambry Variant Classification Scheme 2023. Collection method: clinical testing. Allele origin: germline.

GeneDx
Classification: Uncertain significance. Last evaluated: 2024-11-15. Review status: criteria provided, single submitter. Criteria: GeneDx Variant Classification Process June 2021. Collection method: clinical testing. Allele origin: germline. Affected: yes.
Comment: Not observed at significant frequency in large population cohorts (gnomAD); In silico analysis supports that this missense variant has a deleterious effect on protein structure/function; Missense variant in a gene in which most reported pathogenic variants are truncating/loss of function; Has not been previously published as pathogenic or benign to our knowledge

NM_013275.6(ANKRD11):c.1700A>G (p.Asp567Gly)

Gene: ANKRD11 (ankyrin repeat domain containing 11; minus strand). Cytogenetic location: 16q24.3.
Variant type: single nucleotide variant.
Coding change: c.1700A>G on transcript NM_013275.6 (MANE Select); coding-DNA position 1700, A replaced by G.
Protein change: p.Asp567Gly; replaces aspartic acid 567 with glycine.
Molecular consequence: missense variant.
Genome position (GRCh38, 1-based): chr16:89,284,842, T>C on the plus strand (A>G on the coding strand, the complement: ANKRD11 is on the minus strand). VCF-style: chr16-89284842-T-C. GRCh37 (hg19) VCF-style: chr16-89351250-T-C.
Other names: c.1700A>G (NM_013275.5); c.1700A>G, p.Asp567Gly (NM_001256182.2, NM_001256183.2); short protein forms D567G.
Identifiers: ClinVar variation 1778342 (VCV001778342.4), dbSNP rs1390188321, ClinGen allele CA397164267.
Genomic context (GRCh38, chr16:89,284,842, plus strand): 5'-TCCACACTGGAGCCCTCAGAGGAGTAGTCAGACTCGCTTGTCAGTCTCGTCCTTGTGGAG[T>C]CTGATAAAGAACTGACCTCTGACCAAGCCGGGGAAGAAATGGTTTTCCAATTGTCTGTCC-3'
Protein context (NP_037407.4, residues 557-577): PAWSEVSSLS[Asp567Gly]STRTRLTSES